The following is an entry in ClinVar:

NM_000395.3(CSF2RB):c.1087A>G (p.Met363Val)

Gene: CSF2RB (colony stimulating factor 2 receptor subunit beta; plus strand). Cytogenetic location: 22q12.3.
Variant type: single nucleotide variant.
Coding change: c.1087A>G on transcript NM_000395.3 (MANE Select); coding-DNA position 1087, A replaced by G.
Protein change: p.Met363Val; replaces methionine 363 with valine.
Molecular consequence: missense variant.
Genome position (GRCh38, 1-based): chr22:36,932,839, A>G. VCF-style: chr22-36932839-A-G. GRCh37 (hg19) VCF-style: chr22-37328881-A-G.
Other names: c.1105A>G, p.Met369Val (NM_001410827.1); short protein forms M363V, M369V.
Identifiers: ClinVar variation 2979821 (VCV002979821.3), dbSNP rs377502179, ClinGen allele CA323996444.
Genomic context (GRCh38, chr22:36,932,839, plus strand): 5'-CCATCCCTCAACGTGACCAAGGATGGAGACAGCTACAGCCTGCGCTGGGAAACAATGAAA[A>G]TGCGATACGAACACATAGACCACACATTTGAGATCCAGTACAGGAAAGACACGGCCACGT-3'
Protein context (NP_000386.1, residues 353-373): SYSLRWETMK[Met363Val]RYEHIDHTFE

ClinVar aggregate classification (germline): Uncertain significance (1 of 4 stars; one submission).

Allele frequency attached by ClinVar (database versions not stated): gnomAD 0.00001; gnomAD exomes 0.00001; TOPMed 0.00001; ESP Exome Variant Server 0.00008.
gnomAD v4.1: 16 of 1,614,072 alleles (0.00099%); highest among the groups gnomAD compares: Non-Finnish European, 0.0014%; no homozygotes.

Submission:

Labcorp Genetics (formerly Invitae), Labcorp
Classification: Uncertain significance. Last evaluated: 2023-07-19. Review status: criteria provided, single submitter. Criteria: Invitae Variant Classification Sherloc (09022015). Collection method: clinical testing. Allele origin: germline.
Comment: This sequence change replaces methionine, which is neutral and non-polar, with valine, which is neutral and non-polar, at codon 363 of the CSF2RB protein (p.Met363Val). This variant is present in population databases (rs377502179, gnomAD 0.007%). This variant has not been reported in the literature in individuals affected with CSF2RB-related conditions. Advanced modeling of protein sequence and biophysical properties (such as structural, functional, and spatial information, amino acid conservation, physicochemical variation, residue mobility, and thermodynamic stability) performed at Invitae indicates that this missense variant is not expected to disrupt CSF2RB protein function. In summary, the available evidence is currently insufficient to determine the role of this variant in disease. Therefore, it has been classified as a Variant of Uncertain Significance.